The following is an entry in ClinVar:

NM_001197104.2(KMT2A):c.2960A>G (p.Lys987Arg)

Gene: KMT2A (lysine methyltransferase 2A; plus strand). Cytogenetic location: 11q23.3.
Variant type: single nucleotide variant.
Coding change: c.2960A>G on transcript NM_001197104.2 (MANE Select); coding-DNA position 2960, A replaced by G.
Protein change: p.Lys987Arg; replaces lysine 987 with arginine.
Molecular consequence: missense variant.
Genome position (GRCh38, 1-based): chr11:118,474,119, A>G. VCF-style: chr11-118474119-A-G. GRCh37 (hg19) VCF-style: chr11-118344834-A-G.
Other names: c.3059A>G, p.Lys1020Arg (NM_001412597.1); c.2960A>G, p.Lys987Arg (NM_005933.4); short protein forms K1020R, K987R.
Identifiers: ClinVar variation 4760182 (VCV004760182.1).
Genomic context (GRCh38, chr11:118,474,119, plus strand): 5'-GAAATCTGGAAAAAACCAACTTGGACCTCGGCCCAACTGCCCCATCCCTGGAGAAGGAGA[A>G]AACCCTCTGCCTTTCCACTCCTTCATCTAGCACTGTTAAACATTCCACTTCCTCCATAGG-3'
Protein context (NP_001184033.1, residues 977-997): GPTAPSLEKE[Lys987Arg]TLCLSTPSSS

ClinVar aggregate classification (germline): Uncertain significance (1 of 4 stars; one submission).

gnomAD v4.1: 2 of 1,614,214 alleles (0.00012%); highest among the groups gnomAD compares: Non-Finnish European, 0.00017%; no homozygotes.

Submission:

Labcorp Genetics (formerly Invitae), Labcorp
Classification: Uncertain significance. Last evaluated: 2025-08-05. Review status: criteria provided, single submitter. Criteria: Invitae Variant Classification Sherloc (09022015). Collection method: clinical testing. Allele origin: germline.
Comment: This sequence change replaces lysine, which is basic and polar, with arginine, which is basic and polar, at codon 987 of the KMT2A protein (p.Lys987Arg). This variant is not present in population databases (gnomAD no frequency). This variant has not been reported in the literature in individuals affected with KMT2A-related conditions. Invitae Evidence Modeling of protein sequence and biophysical properties (such as structural, functional, and spatial information, amino acid conservation, physicochemical variation, residue mobility, and thermodynamic stability) indicates that this missense variant is not expected to disrupt KMT2A protein function with a negative predictive value of 95%. In summary, the available evidence is currently insufficient to determine the role of this variant in disease. Therefore, it has been classified as a Variant of Uncertain Significance.